The following is an entry in ClinVar:

NM_021098.3(CACNA1H):c.2854C>T (p.Pro952Ser)

Gene: CACNA1H (calcium voltage-gated channel subunit alpha1 H; plus strand). Cytogenetic location: 16p13.3.
Variant type: single nucleotide variant.
Coding change: c.2854C>T on transcript NM_021098.3 (MANE Select); coding-DNA position 2854, C replaced by T.
Protein change: p.Pro952Ser; replaces proline 952 with serine.
Molecular consequence: missense variant.
Genome position (GRCh38, 1-based): chr16:1,207,065, C>T. VCF-style: chr16-1207065-C-T. GRCh37 (hg19) VCF-style: chr16-1257065-C-T.
Other names: c.2854C>T, p.Pro952Ser (NM_001005407.2); short protein forms P952S.
Identifiers: ClinVar variation 1482714 (VCV001482714.8), dbSNP rs1339365288, ClinGen allele CA394170095.

ClinVar aggregate classification (germline): Uncertain significance (1 of 4 stars; one submission).

Conditions:
Idiopathic generalized epilepsy. Also called: Generalised epilepsy; EIG. Identifiers: MedGen C0270850, MONDO:0005579, OMIM 600669.
Hyperaldosteronism, familial, type IV (HALD4). Also called: FH IV; ALDOSTERONISM, PRIMARY, AND HYPERTENSION. Identifiers: Orphanet 642671, MedGen C4310756, MONDO:0014875, OMIM 617027.

Submission:

Labcorp Genetics (formerly Invitae), Labcorp
Classification: Uncertain significance for Idiopathic generalized epilepsy; Hyperaldosteronism, familial, type IV. Last evaluated: 2021-04-02. Review status: criteria provided, single submitter. Criteria: Invitae Variant Classification Sherloc (09022015). Collection method: clinical testing. Allele origin: germline.
Comment: In summary, the available evidence is currently insufficient to determine the role of this variant in disease. Therefore, it has been classified as a Variant of Uncertain Significance. Advanced modeling of protein sequence and biophysical properties (such as structural, functional, and spatial information, amino acid conservation, physicochemical variation, residue mobility, and thermodynamic stability) performed at Invitae indicates that this missense variant is not expected to disrupt CACNA1H protein function. This variant has not been reported in the literature in individuals with CACNA1H-related conditions. This variant is not present in population databases (ExAC no frequency). This sequence change replaces proline with serine at codon 952 of the CACNA1H protein (p.Pro952Ser). The proline residue is highly conserved and there is a moderate physicochemical difference between proline and serine.